The following is an entry in ClinVar:

ClinVar aggregate classification (germline): Uncertain significance (1 of 4 stars; one submission).

Conditions:
PMM2-congenital disorder of glycosylation. Also called: CDG Ia; PMM2-CDG; JAEKEN SYNDROME; PHOSPHOMANNOMUTASE 2 DEFICIENCY; CARBOHYDRATE-DEFICIENT GLYCOPROTEIN SYNDROME, TYPE Ia; Congenital disorder of glycosylation, type Ia. Identifiers: Orphanet 79318, MedGen C0349653, MONDO:0008907, OMIM 212065.

Submission:

Labcorp Genetics (formerly Invitae), Labcorp
Classification: Uncertain significance for PMM2-congenital disorder of glycosylation. Last evaluated: 2020-10-19. Review status: criteria provided, single submitter. Criteria: Invitae Variant Classification Sherloc (09022015). Collection method: clinical testing. Allele origin: germline.
Comment: This variant results in a copy number gain of the genomic region encompassing the full coding sequence of the PMM2 gene. The boundaries of this event are unknown as they extend beyond the assayed region for this gene and therefore may encompass additional genes. As the precise location of this event is unknown, it may be in tandem or it may be located elsewhere in the genome. This variant has not been reported in the literature in individuals with PMM2-related conditions. In summary, the available evidence is currently insufficient to determine the role of this variant in disease. Therefore, it has been classified as a Variant of Uncertain Significance.

NC_000016.9:g.(?_8839838)_(8941682_?)dup

Genes: ABAT (4-aminobutyrate aminotransferase; plus strand), PMM2 (phosphomannomutase 2; plus strand), TMEM186 (transmembrane protein 186; minus strand). Cytogenetic location: 16p13.2.
Variant type: Duplication.
Identifiers: ClinVar variation 1019421 (VCV001019421.2).